The following is an entry in ClinVar:

ClinVar aggregate classification (germline): Uncertain significance (1 of 4 stars; one submission).

Conditions:
Polycystic kidney disease, adult type (PKD1). Also called: Polycystic Kidney, Autosomal Dominant; POLYCYSTIC KIDNEY DISEASE 1 WITH OR WITHOUT POLYCYSTIC LIVER DISEASE; Polycystic Kidney Disease 1, Autosomal Dominant; Polycystic kidney disease 1; Polycystic kidney disease 1, severe; POLYCYSTIC KIDNEY DISEASE, ADULT, TYPE I. Identifiers: MedGen C3149841, MONDO:0008263, OMIM 173900.

Submission:

MVZ Medizinische Genetik Mainz
Classification: Uncertain significance for Polycystic kidney disease, adult type. Last evaluated: 2023-04-21. Review status: criteria provided, single submitter. Criteria: UK Practice Guidelines For Variant Classification V4 01 2020. Collection method: clinical testing. Allele origin: germline. Inheritance: Autosomal dominant inheritance. Affected: yes. Observed: 1 variant allele.
Comment: ACMG Criteria: PP3_MOD,PM2_SUP,PM5_SUP,PP4

NM_001009944.3(PKD1):c.6561G>C (p.Trp2187Cys)

Gene: PKD1 (polycystin 1, transient receptor potential channel interacting; minus strand). Cytogenetic location: 16p13.3.
Variant type: single nucleotide variant.
Coding change: c.6561G>C on transcript NM_001009944.3 (MANE Select); coding-DNA position 6561, G replaced by C.
Protein change: p.Trp2187Cys; replaces tryptophan 2187 with cysteine.
Molecular consequence: missense variant.
Genome position (GRCh38, 1-based): chr16:2,108,606, C>G on the plus strand (G>C on the coding strand, the complement: PKD1 is on the minus strand). VCF-style: chr16-2108606-C-G. GRCh37 (hg19) VCF-style: chr16-2158607-C-G.
Other names: c.6561G>C, p.Trp2187Cys (NM_000296.4); short protein forms W2187C.
Identifiers: ClinVar variation 3066287 (VCV003066287.1), dbSNP rs867422468, ClinGen allele CA394373308.